The following is an entry in ClinVar:

NM_004583.4(RAB5C):c.98G>C (p.Gly33Ala)

Gene: RAB5C (RAB5C, member RAS oncogene family; minus strand). Cytogenetic location: 17q21.2.
Variant type: single nucleotide variant.
Coding change: c.98G>C on transcript NM_004583.4 (MANE Select); coding-DNA position 98, G replaced by C.
Protein change: p.Gly33Ala; replaces glycine 33 with alanine.
Molecular consequence: missense variant.
Genome position (GRCh38, 1-based): chr17:42,130,405, C>G on the plus strand (G>C on the coding strand, the complement: RAB5C is on the minus strand). VCF-style: chr17-42130405-C-G. GRCh37 (hg19) VCF-style: chr17-40282423-C-G.
Other names: c.197G>C, p.Gly66Ala (NM_001252039.2); c.98G>C, p.Gly33Ala (NM_201434.3); short protein forms G33A, G66A.
Identifiers: ClinVar variation 3600368 (VCV003600368.1).

ClinVar aggregate classification (germline): Uncertain significance (1 of 4 stars; one submission).

Conditions:
RAB5C-related neurodevelopmental disorder.

Submission:

Clinical Genomics Laboratory, Washington University in St. Louis
Classification: Uncertain significance for RAB5C-related neurodevelopmental disorder. Last evaluated: 2024-09-02. Review status: criteria provided, single submitter. Criteria: ACMG Guidelines, 2015. Collection method: clinical testing. Allele origin: germline.
Comment: The RAB5C c.98G>C (p.Gly33Ala) variant, to our knowledge, has not been reported in the medical literature. This variant is absent from the general population (gnomAD v.2.1.1), indicating it is not a common variant. Computational predictors indicate that the variant is damaging, evidence that correlates with impact to RAB5C function. Due to limited information, the clinical significance of this variant is uncertain.